The following is an entry in ClinVar:

ClinVar aggregate classification (germline): Uncertain significance (1 of 4 stars; one submission).

Conditions:
Alstrom syndrome (ALMS). Identifiers: Orphanet 64, MedGen C0268425, MONDO:0008763, OMIM 203800.

Allele frequency attached by ClinVar (database versions not stated): TOPMed below 0.00001; gnomAD exomes 0.00002.
gnomAD v4.1: 32 of 1,614,170 alleles (0.002%); highest among the groups gnomAD compares: Non-Finnish European, 0.0027%; no homozygotes.

Submission:

Labcorp Genetics (formerly Invitae), Labcorp
Classification: Uncertain significance for Alstrom syndrome. Last evaluated: 2022-06-02. Review status: criteria provided, single submitter. Criteria: Invitae Variant Classification Sherloc (09022015). Collection method: clinical testing. Allele origin: germline.
Comment: This sequence change replaces glutamic acid, which is acidic and polar, with glycine, which is neutral and non-polar, at codon 4066 of the ALMS1 protein (p.Glu4066Gly). This variant is not present in population databases (gnomAD no frequency). This variant has not been reported in the literature in individuals affected with ALMS1-related conditions. Experimental studies and prediction algorithms are not available or were not evaluated, and the functional significance of this variant is currently unknown. In summary, the available evidence is currently insufficient to determine the role of this variant in disease. Therefore, it has been classified as a Variant of Uncertain Significance.

NM_001378454.1(ALMS1):c.12194A>G (p.Glu4065Gly)

Genes: ALMS1 (ALMS1 centrosome and basal body associated protein; plus strand), LOC126806252 (BRD4-independent group 4 enhancer GRCh37_chr2:73828496-73829695; plus strand). Cytogenetic location: 2p13.1.
Variant type: single nucleotide variant.
Coding change: c.12194A>G on transcript NM_001378454.1 (MANE Select); coding-DNA position 12194, A replaced by G.
Protein change: p.Glu4065Gly; replaces glutamic acid 4065 with glycine.
Molecular consequence: missense variant.
Genome position (GRCh38, 1-based): chr2:73,602,264, A>G. VCF-style: chr2-73602264-A-G. GRCh37 (hg19) VCF-style: chr2-73829391-A-G.
Other names: c.12197A>G, p.Glu4066Gly (NM_015120.4); short protein forms E4065G, E4066G.
Identifiers: ClinVar variation 2181771 (VCV002181771.1), dbSNP rs1275675373, ClinGen allele CA347268060.